The following is an entry in ClinVar:

NM_022124.6(CDH23):c.4018A>G (p.Ile1340Val)

Genes: C10orf105 (chromosome 10 open reading frame 105; minus strand), CDH23 (cadherin related 23; plus strand). Cytogenetic location: 10q22.1.
Variant type: single nucleotide variant.
Coding change: c.4018A>G on transcript NM_022124.6 (MANE Select); coding-DNA position 4018, A replaced by G.
Protein change: p.Ile1340Val; replaces isoleucine 1340 with valine.
Molecular consequence: missense variant. On other transcripts: intron variant (1).
Genome position (GRCh38, 1-based): chr10:71,732,289, A>G. VCF-style: chr10-71732289-A-G. GRCh37 (hg19) VCF-style: chr10-73492046-A-G.
Other names: c.4018A>G, p.Ile1340Val (NM_001171930.2); c.-6+5439T>C (NM_001168390.2); short protein forms I1340V.
Identifiers: ClinVar variation 2192003 (VCV002192003.4), dbSNP rs376392673, ClinGen allele CA5544890.
Genomic context (GRCh38, chr10:71,732,289, plus strand): 5'-GCTGCCATCCTGGAGAATCTGGCACTGGGTACTGAGATTGTGCGGGTCCAGGCCTACTCC[A>G]TCGACAACCTCAACCAAATCACGTACCGCTTCAACGCCTACACCAGCACCCAGGCCAAAG-3'
Protein context (NP_071407.4, residues 1330-1350): TEIVRVQAYS[Ile1340Val]DNLNQITYRF

ClinVar aggregate classification (germline): Uncertain significance. Review status: criteria provided, multiple submitters, no conflicts (2 of 4 stars). 2 submissions from 2 submitters: Uncertain significance (2). Last evaluated 2025-08-13.

Conditions:
Inborn genetic diseases. Identifiers: MedGen C0950123, MeSH D030342.

Allele frequency attached by ClinVar (database versions not stated): ExAC 0.00001; TOPMed 0.00002; gnomAD 0.00002; ESP Exome Variant Server 0.00008.
gnomAD v4.1: 6 of 1,612,752 alleles (0.00037%); highest among the groups gnomAD compares: Non-Finnish European, 0.00042%; no homozygotes.

Submissions (2):

Ambry Genetics
Classification: Uncertain significance for Inborn genetic diseases. Last evaluated: 2025-08-13. Review status: criteria provided, single submitter. Criteria: Ambry Variant Classification Scheme 2023. Collection method: clinical testing. Allele origin: germline.

Labcorp Genetics (formerly Invitae), Labcorp
Classification: Uncertain significance. Last evaluated: 2022-03-04. Review status: criteria provided, single submitter. Criteria: Invitae Variant Classification Sherloc (09022015). Collection method: clinical testing. Allele origin: germline.
Comment: This sequence change replaces isoleucine, which is neutral and non-polar, with valine, which is neutral and non-polar, at codon 1340 of the CDH23 protein (p.Ile1340Val). This variant is present in population databases (rs376392673, gnomAD 0.002%). This variant has not been reported in the literature in individuals affected with CDH23-related conditions. Algorithms developed to predict the effect of missense changes on protein structure and function are either unavailable or do not agree on the potential impact of this missense change (SIFT: "Deleterious"; PolyPhen-2: "Not Available"; Align-GVGD: "Class C25"). In summary, the available evidence is currently insufficient to determine the role of this variant in disease. Therefore, it has been classified as a Variant of Uncertain Significance.